The following is an entry in ClinVar:

ClinVar aggregate classification (germline): Uncertain significance (1 of 4 stars; one submission).

Conditions:
Amyotrophic lateral sclerosis type 15. Also called: AMYOTROPHIC LATERAL SCLEROSIS 15 WITH FRONTOTEMPORAL DEMENTIA. Identifiers: Orphanet 803, MedGen C3275459, MONDO:0010459, OMIM 300857.

Allele frequency attached by ClinVar (database versions not stated): TOPMed below 0.00001; gnomAD 0.00001.
gnomAD v4.1: 1 of 1,210,677 alleles (0.000083%); highest among the groups gnomAD compares: Non-Finnish European, 0.00011%; no homozygotes.

Submission:

Labcorp Genetics (formerly Invitae), Labcorp
Classification: Uncertain significance for Amyotrophic lateral sclerosis type 15. Last evaluated: 2023-07-07. Review status: criteria provided, single submitter. Criteria: Invitae Variant Classification Sherloc (09022015). Collection method: clinical testing. Allele origin: germline.
Comment: ClinVar contains an entry for this variant (Variation ID: 940373). In summary, the available evidence is currently insufficient to determine the role of this variant in disease. Therefore, it has been classified as a Variant of Uncertain Significance. Algorithms developed to predict the effect of missense changes on protein structure and function output the following: SIFT: "Not Available"; PolyPhen-2: "Not Available"; Align-GVGD: "Not Available". The threonine amino acid residue is found in multiple mammalian species, which suggests that this missense change does not adversely affect protein function. This variant has not been reported in the literature in individuals affected with UBQLN2-related conditions. This variant is not present in population databases (gnomAD no frequency). This sequence change replaces alanine, which is neutral and non-polar, with threonine, which is neutral and polar, at codon 572 of the UBQLN2 protein (p.Ala572Thr).

NM_013444.4(UBQLN2):c.1714G>A (p.Ala572Thr)

Gene: UBQLN2 (ubiquilin 2; plus strand). Cytogenetic location: Xp11.21.
Variant type: single nucleotide variant.
Coding change: c.1714G>A on transcript NM_013444.4 (MANE Select); coding-DNA position 1714, G replaced by A.
Protein change: p.Ala572Thr; replaces alanine 572 with threonine.
Molecular consequence: missense variant.
Genome position (GRCh38, 1-based): chrX:56,565,587, G>A. VCF-style: chrX-56565587-G-A. GRCh37 (hg19) VCF-style: chrX-56592020-G-A.
Other names: short protein forms A572T.
Identifiers: ClinVar variation 940373 (VCV000940373.9), dbSNP rs1293533801, ClinGen allele CA413381129.